The following is an entry in ClinVar:

ClinVar aggregate classification (germline): Uncertain significance (1 of 4 stars; one submission).

Conditions:
Nephronophthisis. Also called: Juvenile Nephronophthisis. Identifiers: Orphanet 655, MedGen C0687120, MONDO:0019005, HP:0000090.

Allele frequency attached by ClinVar (database versions not stated): gnomAD exomes 0.00001; TOPMed 0.00002.
gnomAD v4.1: 19 of 1,614,132 alleles (0.0012%); highest among the groups gnomAD compares: Admixed American, 0.0033%; no homozygotes.

Submission:

Labcorp Genetics (formerly Invitae), Labcorp
Classification: Uncertain significance for Nephronophthisis. Last evaluated: 2022-03-12. Review status: criteria provided, single submitter. Criteria: Invitae Variant Classification Sherloc (09022015). Collection method: clinical testing. Allele origin: germline.
Comment: This sequence change replaces proline, which is neutral and non-polar, with leucine, which is neutral and non-polar, at codon 769 of the INVS protein (p.Pro769Leu). This variant is present in population databases (no rsID available, gnomAD 0.003%). This variant has not been reported in the literature in individuals affected with INVS-related conditions. Algorithms developed to predict the effect of missense changes on protein structure and function output the following: SIFT: "Tolerated"; PolyPhen-2: "Benign"; Align-GVGD: "Class C0". The leucine amino acid residue is found in multiple mammalian species, which suggests that this missense change does not adversely affect protein function. In summary, the available evidence is currently insufficient to determine the role of this variant in disease. Therefore, it has been classified as a Variant of Uncertain Significance.

NM_014425.5(INVS):c.2306C>T (p.Pro769Leu)

Gene: INVS (inversin; plus strand). Cytogenetic location: 9q31.1.
Variant type: single nucleotide variant.
Coding change: c.2306C>T on transcript NM_014425.5 (MANE Select); coding-DNA position 2306, C replaced by T.
Protein change: p.Pro769Leu; replaces proline 769 with leucine.
Molecular consequence: missense variant. On other transcripts: non-coding transcript variant (1).
Genome position (GRCh38, 1-based): chr9:100,292,563, C>T. VCF-style: chr9-100292563-C-T. GRCh37 (hg19) VCF-style: chr9-103054845-C-T.
Other names: c.2018C>T, p.Pro673Leu (NM_001318381.2); c.1328C>T, p.Pro443Leu (NM_001318382.2); short protein forms P443L, P769L, P673L.
Identifiers: ClinVar variation 2074091 (VCV002074091.3), dbSNP rs1477368510, ClinGen allele CA374242819.